The following is an entry in ClinVar:

ClinVar aggregate classification (germline): Likely pathogenic (1 of 4 stars; one submission).

Submission:

Broad Center for Mendelian Genomics, Broad Institute of MIT and Harvard
Classification: Likely pathogenic. Last evaluated: 2019-02-07. Review status: criteria provided, single submitter. Criteria: ACMG Guidelines, 2015. Collection method: research. Allele origin: de novo. Inheritance: Autosomal dominant inheritance. Affected: yes.
Comment: Trio exome analysis showed this variant to be de novo. The p.Val1625Argfs*244 variant in KMT2E has not been previously reported in individuals with intellectual disabilities or developmental delay and was absent from large population studies. This variant is predicted to cause a frameshift, which alters the proteinâ€™s amino acid sequence beginning at position 1625 and leads to a premature termination codon 244 amino acids downstream. This alteration is then predicted to lead to a truncated or absent protein. This alteration is then predicted to lead to a truncated or absent protein. It is of note, that loss of function of the KMT2E gene in autosomal dominant disease has not yet been established based on the criteria laid out in Tayoun, 2018 (PMID: 30192042). In summary, although additional studies are required to fully establish its clinical significance, this variant is likely pathogenic.

NM_182931.3(KMT2E):c.4872del (p.Ala1624_Val1625insTer)

Gene: KMT2E (lysine methyltransferase 2E (inactive); plus strand). Cytogenetic location: 7q22.3.
Variant type: Deletion.
Coding change: c.4872del on transcript NM_182931.3 (MANE Select); coding-DNA position 4872, one base deleted (C; older notation c.4872delC).
Protein change: p.Ala1624_Val1625insTer.
Molecular consequence: frameshift variant.
Genome position (GRCh38, 1-based): chr7:105,112,628, C deleted; the last of 2 consecutive C bases (chr7:105,112,627-105,112,628); deleting either gives the same sequence. VCF-style (leftmost placement, unchanged base first): chr7-105112626-GC-G. GRCh37 (hg19) VCF-style: chr7-104753073-GC-G.
Other names: c.4872del, p.Ala1624_Val1625insTer (NM_018682.4).
Identifiers: ClinVar variation 805913 (VCV000805913.2), dbSNP rs1584819461, ClinGen allele CA915945402.